The following is an entry in ClinVar:

NM_000059.4(BRCA2):c.731A>G (p.Asp244Gly)

Gene: BRCA2 (BRCA2 DNA repair associated; plus strand). Cytogenetic location: 13q13.1.
Variant type: single nucleotide variant.
Coding change: c.731A>G on transcript NM_000059.4 (MANE Select); coding-DNA position 731, A replaced by G.
Protein change: p.Asp244Gly; replaces aspartic acid 244 with glycine.
Molecular consequence: missense variant.
Genome position (GRCh38, 1-based): chr13:32,330,968, A>G. VCF-style: chr13-32330968-A-G. GRCh37 (hg19) VCF-style: chr13-32905105-A-G.
Other names: short protein forms D244G.
Identifiers: ClinVar variation 409572 (VCV000409572.18), dbSNP rs1060502473, ClinGen allele CA16613820.

ClinVar aggregate classification (germline): Conflicting classifications of pathogenicity. Review status: criteria provided, conflicting classifications (1 of 4 stars). 4 submissions from 4 submitters: Uncertain significance (3); Likely benign (1). Last evaluated 2025-12-29.

Conditions:
Hereditary breast ovarian cancer syndrome. Also called: Hereditary breast and ovarian cancer; Hereditary breast and/or ovarian cancer syndrome; BRCA1- and BRCA2-Associated Hereditary Breast and Ovarian Cancer; Hereditary breast and ovarian cancer syndrome; Hereditary breast and ovarian cancer syndrome (HBOC); Breast and ovarian cancer. Identifiers: Orphanet 145, MedGen C0677776, MeSH D061325, MONDO:0003582. Disease mechanism: loss of function.
Hereditary cancer-predisposing syndrome. Also called: Tumor predisposition; Hereditary Cancer Syndrome; Hereditary neoplastic syndrome; Neoplastic Syndromes, Hereditary. Identifiers: Orphanet 140162, MedGen C0027672, MeSH D009386, MONDO:0015356.

Submissions (4):

Center for Genomic Medicine, Rigshospitalet, Copenhagen University Hospital
Classification: Likely benign. Last evaluated: 2025-12-29. Review status: criteria provided, single submitter. Criteria: ACMG Guidelines, 2015. Collection method: clinical testing. Allele origin: germline.
Comment: Classification criteria: BP1_strong

Ambry Genetics
Classification: Uncertain significance for Hereditary cancer-predisposing syndrome. Last evaluated: 2025-11-04. Review status: criteria provided, single submitter. Criteria: Ambry Variant Classification Scheme 2023. Collection method: clinical testing. Allele origin: germline.
Comment: The p.D244G variant (also known as c.731A>G), located in coding exon 8 of the BRCA2 gene, results from an A to G substitution at nucleotide position 731. The aspartic acid at codon 244 is replaced by glycine, an amino acid with similar properties. This amino acid position is conserved. In addition, this alteration is predicted to be tolerated by in silico analysis. Since supporting evidence is limited at this time, the clinical significance of this alteration remains unclear.

Labcorp Genetics (formerly Invitae), Labcorp
Classification: Uncertain significance for Hereditary breast ovarian cancer syndrome. Last evaluated: 2025-10-28. Review status: criteria provided, single submitter. Criteria: Invitae Variant Classification Sherloc (09022015). Collection method: clinical testing. Allele origin: germline.
Comment: This sequence change replaces aspartic acid, which is acidic and polar, with glycine, which is neutral and non-polar, at codon 244 of the BRCA2 protein (p.Asp244Gly). This variant is not present in population databases (gnomAD no frequency). This missense change has been observed in individual(s) with breast cancer (PMID: 34326862). ClinVar contains an entry for this variant (Variation ID: 409572). Invitae Evidence Modeling of protein sequence and biophysical properties (such as structural, functional, and spatial information, amino acid conservation, physicochemical variation, residue mobility, and thermodynamic stability) indicates that this missense variant is not expected to disrupt BRCA2 protein function with a negative predictive value of 95%. In summary, the available evidence is currently insufficient to determine the role of this variant in disease. Therefore, it has been classified as a Variant of Uncertain Significance.

Color Diagnostics, LLC DBA Color Health
Classification: Uncertain significance for Hereditary cancer-predisposing syndrome. Last evaluated: 2020-03-17. Review status: criteria provided, single submitter. Criteria: ACMG Guidelines, 2015. Collection method: clinical testing. Allele origin: germline.
Comment: This missense variant replaces aspartic acid with glycine at codon 244 of the BRCA2 protein. Computational prediction suggests that this variant may not impact protein structure and function (internally defined REVEL score threshold <= 0.5, PMID: 27666373). Splice site prediction tools suggest that this variant may not impact RNA splicing. To our knowledge, functional studies have not been reported for this variant. This variant has not been reported in individuals affected with hereditary cancer in the literature. This variant has not been identified in the general population by the Genome Aggregation Database (gnomAD). The available evidence is insufficient to determine the role of this variant in disease conclusively. Therefore, this variant is classified as a Variant of Uncertain Significance.

Literature cited by the submitters: PubMed 34326862 (cited by Labcorp Genetics (formerly Invitae), Labcorp).